The following is an entry in ClinVar:

ClinVar aggregate classification (germline): Uncertain significance. Review status: criteria provided, multiple submitters, no conflicts (2 of 4 stars). 2 submissions from 2 submitters: Uncertain significance (2). Last evaluated 2025-08-04.

Conditions:
Inborn genetic diseases. Identifiers: MedGen C0950123, MeSH D030342.
Hyperkalemic periodic paralysis. Also called: Familial hyperkalemic periodic paralysis; Gamstorp disease. Identifiers: Orphanet 682, MedGen C0238357, MONDO:0008224, OMIM 170500, HP:0007215.

Submissions (2):

Ambry Genetics
Classification: Uncertain significance for Inborn genetic diseases. Last evaluated: 2025-08-04. Review status: criteria provided, single submitter. Criteria: Ambry Variant Classification Scheme 2023. Collection method: clinical testing. Allele origin: germline.

Labcorp Genetics (formerly Invitae), Labcorp
Classification: Uncertain significance for Hyperkalemic periodic paralysis. Last evaluated: 2023-10-23. Review status: criteria provided, single submitter. Criteria: Invitae Variant Classification Sherloc (09022015). Collection method: clinical testing. Allele origin: germline.
Comment: This sequence change replaces valine, which is neutral and non-polar, with alanine, which is neutral and non-polar, at codon 612 of the SCN4A protein (p.Val612Ala). This variant is not present in population databases (gnomAD no frequency). This variant has not been reported in the literature in individuals affected with SCN4A-related conditions. Advanced modeling of protein sequence and biophysical properties (such as structural, functional, and spatial information, amino acid conservation, physicochemical variation, residue mobility, and thermodynamic stability) has been performed at Invitae for this missense variant, however the output from this modeling did not meet the statistical confidence thresholds required to predict the impact of this variant on SCN4A protein function. In summary, the available evidence is currently insufficient to determine the role of this variant in disease. Therefore, it has been classified as a Variant of Uncertain Significance.

NM_000334.4(SCN4A):c.1835T>C (p.Val612Ala)

Gene: SCN4A (sodium voltage-gated channel alpha subunit 4; minus strand). Cytogenetic location: 17q23.3.
Variant type: single nucleotide variant.
Coding change: c.1835T>C on transcript NM_000334.4 (MANE Select); coding-DNA position 1835, T replaced by C.
Protein change: p.Val612Ala; replaces valine 612 with alanine.
Molecular consequence: missense variant.
Genome position (GRCh38, 1-based): chr17:63,961,203, A>G on the plus strand (T>C on the coding strand, the complement: SCN4A is on the minus strand). VCF-style: chr17-63961203-A-G. GRCh37 (hg19) VCF-style: chr17-62038563-A-G.
Other names: short protein forms V612A.
Identifiers: ClinVar variation 2912466 (VCV002912466.4), dbSNP rs926617193, ClinGen allele CA292967449.